The following is an entry in ClinVar:

NM_003922.4(HERC1):c.6799A>G (p.Asn2267Asp)

Gene: HERC1 (HECT and RLD domain containing E3 ubiquitin protein ligase family member 1; minus strand). Cytogenetic location: 15q22.31.
Variant type: single nucleotide variant.
Coding change: c.6799A>G on transcript NM_003922.4 (MANE Select); coding-DNA position 6799, A replaced by G.
Protein change: p.Asn2267Asp; replaces asparagine 2267 with aspartic acid.
Molecular consequence: missense variant.
Genome position (GRCh38, 1-based): chr15:63,678,116, T>C on the plus strand (A>G on the coding strand, the complement: HERC1 is on the minus strand). VCF-style: chr15-63678116-T-C. GRCh37 (hg19) VCF-style: chr15-63970315-T-C.
Other names: c.6799A>G (NM_003922.3); short protein forms N2267D.
Identifiers: ClinVar variation 2084998 (VCV002084998.4), dbSNP rs368093789, ClinGen allele CA7605275.
Genomic context (GRCh38, chr15:63,678,116, plus strand): 5'-CATGCCTAGTATGTTTACCTTTCTCTTCCTCTTTGCTCTCCTTCTCCTCTCTCATTTCAT[T>C]TTCCTCTCGGCTCTGAACCGAGCGGCTTTTCTTTAGCTTCTGACCTGACTCTTTAATACA-3'
Protein context (NP_003913.3, residues 2257-2277): KSRSVQSREE[Asn2267Asp]EMREEKESKE

ClinVar aggregate classification (germline): Conflicting classifications of pathogenicity. Review status: criteria provided, conflicting classifications (1 of 4 stars). 2 submissions from 2 submitters: Uncertain significance (1); Likely benign (1). Last evaluated 2024-10-24.

Conditions:
Inborn genetic diseases. Identifiers: MedGen C0950123, MeSH D030342.

Allele frequency attached by ClinVar (database versions not stated): ExAC 0.00005; ESP Exome Variant Server 0.00008; gnomAD 0.00011; gnomAD exomes 0.00011; TOPMed 0.00011.
gnomAD v4.1: 177 of 1,613,874 alleles (0.011%); highest among the groups gnomAD compares: Non-Finnish European, 0.014%; no homozygotes.

Submissions (2):

Labcorp Genetics (formerly Invitae), Labcorp
Classification: Uncertain significance. Last evaluated: 2024-10-24. Review status: criteria provided, single submitter. Criteria: Invitae Variant Classification Sherloc (09022015). Collection method: clinical testing. Allele origin: germline.
Comment: This sequence change replaces asparagine, which is neutral and polar, with aspartic acid, which is acidic and polar, at codon 2267 of the HERC1 protein (p.Asn2267Asp). This variant is present in population databases (rs368093789, gnomAD 0.01%). This variant has not been reported in the literature in individuals affected with HERC1-related conditions. ClinVar contains an entry for this variant (Variation ID: 2084998). Invitae Evidence Modeling of protein sequence and biophysical properties (such as structural, functional, and spatial information, amino acid conservation, physicochemical variation, residue mobility, and thermodynamic stability) indicates that this missense variant is not expected to disrupt HERC1 protein function with a negative predictive value of 80%. In summary, the available evidence is currently insufficient to determine the role of this variant in disease. Therefore, it has been classified as a Variant of Uncertain Significance.

Ambry Genetics
Classification: Likely benign for Inborn genetic diseases. Last evaluated: 2023-12-29. Review status: criteria provided, single submitter. Criteria: Ambry Variant Classification Scheme 2023. Collection method: clinical testing. Allele origin: germline.